The following is an entry in ClinVar:

ClinVar aggregate classification (germline): Uncertain significance (1 of 4 stars; one submission).

Allele frequency attached by ClinVar (database versions not stated): gnomAD exomes 0.00001; TOPMed 0.00002; ExAC 0.00003.
gnomAD v4.1: 3 of 1,610,648 alleles (0.00019%); highest among the groups gnomAD compares: Admixed American, 0.005%; no homozygotes.

Submission:

Labcorp Genetics (formerly Invitae), Labcorp
Classification: Uncertain significance. Last evaluated: 2022-03-18. Review status: criteria provided, single submitter. Criteria: Invitae Variant Classification Sherloc (09022015). Collection method: clinical testing. Allele origin: germline.
Comment: This sequence change replaces valine, which is neutral and non-polar, with glycine, which is neutral and non-polar, at codon 45 of the IHH protein (p.Val45Gly). This variant is present in population databases (rs781629669, gnomAD 0.01%). This variant has not been reported in the literature in individuals affected with IHH-related conditions. Algorithms developed to predict the effect of missense changes on protein structure and function (SIFT, PolyPhen-2, Align-GVGD) all suggest that this variant is likely to be tolerated. In summary, the available evidence is currently insufficient to determine the role of this variant in disease. Therefore, it has been classified as a Variant of Uncertain Significance.

NM_002181.4(IHH):c.134T>G (p.Val45Gly)

Gene: IHH (Indian hedgehog signaling molecule; minus strand). Cytogenetic location: 2q35.
Variant type: single nucleotide variant.
Coding change: c.134T>G on transcript NM_002181.4 (MANE Select); coding-DNA position 134, T replaced by G.
Protein change: p.Val45Gly; replaces valine 45 with glycine.
Molecular consequence: missense variant.
Genome position (GRCh38, 1-based): chr2:219,060,334, A>C on the plus strand (T>G on the coding strand, the complement: IHH is on the minus strand). VCF-style: chr2-219060334-A-C. GRCh37 (hg19) VCF-style: chr2-219925056-A-C.
Other names: short protein forms V45G.
Identifiers: ClinVar variation 2166441 (VCV002166441.4), dbSNP rs781629669, ClinGen allele CA2116767.